The following is an entry in ClinVar:

ClinVar aggregate classification (germline): Uncertain significance (1 of 4 stars; one submission).

Conditions:
Developmental and epileptic encephalopathy, 13 (DEE13). Also called: Developmental and Epileptic Encephalopathy (SCN8A-DEE); Early infantile epileptic encephalopathy 13; SCN8A-Related Epilepsy. Identifiers: Orphanet 442835, MedGen C3281191, MONDO:0013801, OMIM 614558.
Cognitive impairment with or without cerebellar ataxia (CIAT). Identifiers: MedGen C3280415, MONDO:0013680, OMIM 614306.

Submission:

New York Genome Center
Classification: Uncertain significance for Cognitive impairment with or without cerebellar ataxia; Developmental and epileptic encephalopathy, 13. Last evaluated: 2021-04-07. Review status: criteria provided, single submitter. Criteria: NYGC Assertion Criteria 2020. Collection method: clinical testing. Allele origin: inherited. Observed: 1 heterozygote. Study: CSER-NYCKidSeq.
Comment: The inherited c.3820-1G>T (p.?) splice acceptor variant in intron 20 of 26 of SCN8A has not been reported in affected individuals in the available literature. The flanking coding exon 20 in NM_001330260.2, encodes the previously described alternatively spliced exon 18A [PMID:9295353]. The c.3820-1G>T variant is predicted to result in an in-frame deletion of coding exon 20/exon 18A [PMID: 30192042] and encode a truncated transmembrane domain III of Nav1.6. This variant is absent in gnomADv3 and v2, suggesting it is not a common benign variant in the populations represented in this database. However, a heterozygous variant at the adjacent splice acceptor site (c.3820-2A>T) was seen in 14 individuals in gnomADv2 population database. It is currently unclear whether the gnomADv2 variants in this region are low quality artefactual calls or true variants. In silico predictions for the c.3820-1G>T variant were consistent with low to moderate effect on splicing [Splice AI score: 0.11 for acceptor loss; TraP score: 0.642]. Further, in affected individuals, LoF variants including canonical splice site changes, have so far not been reported in this alternatively spliced SCN8A exon. Notably, only a handful of canonical splice site variants have been reported in SCN8A constitutive exons in association with disease [PMIDs: 25568300, 29100083, 33007625]. Given the weak in silico predictions, lack of experimental and additional genetic evidence, the inherited SCN8A c.3820-1G>T (p.?) splice acceptor variant is currently classified as a Variant of uncertain significance.

NM_001330260.2(SCN8A):c.3820-1G>T

Gene: SCN8A (sodium voltage-gated channel alpha subunit 8; plus strand). Cytogenetic location: 12q13.13.
Variant type: single nucleotide variant.
Coding change: c.3820-1G>T on transcript NM_001330260.2 (MANE Select); the canonical splice acceptor site of the intron before coding-DNA position 3820, G replaced by T.
Molecular consequence: splice acceptor variant. On other transcripts: intron variant (2).
Genome position (GRCh38, 1-based): chr12:51,780,648, G>T. VCF-style: chr12-51780648-G-T. GRCh37 (hg19) VCF-style: chr12-52174432-G-T.
Other names: c.3820-1G>T (NM_014191.4); c.3820-5894G>T (NM_001177984.3, NM_001369788.1).
Identifiers: ClinVar variation 1341785 (VCV001341785.2), dbSNP rs1373881732, ClinGen allele CA384900767.
Genomic context (GRCh38, chr12:51,780,648, plus strand): 5'-TTTTTTTTTTTTTTTTTGGTTACCTTTTTTGTTTTTGTTTTTCTCTTCTGTTTCTGTGTA[G>T]GTCTCTTTAGTCAGCCTTATAGCTAATGCCCTGGGCTACTCGGAACTAGGTGCCATAAAG-3'